The following is an entry in ClinVar:

ClinVar aggregate classification (germline): Conflicting classifications of pathogenicity. Review status: criteria provided, conflicting classifications (1 of 4 stars). 4 submissions from 4 submitters: Likely pathogenic (1); Uncertain significance (3). Last evaluated 2024-12-23.

Conditions:
NSD1-related disorder. Also called: NSD1-related condition.
Sotos syndrome (SOTOS). Also called: Distinctive facial appearance, overgrowth in childhood, and learning disabilities or delayed development; CEREBRAL GIGANTISM; Sotos' syndrome; CHROMOSOME 5q35 DELETION SYNDROME; SOTOS SYNDROME 1. Identifiers: Orphanet 821, MedGen C0175695, MONDO:0019349, OMIM 117550.

Submissions (4):

PreventionGenetics, part of Exact Sciences
Classification: Uncertain significance for NSD1-related condition. Last evaluated: 2024-12-23. Review status: criteria provided, single submitter. Criteria: ACMG Guidelines, 2015. Collection method: clinical testing. Allele origin: germline.
Comment: The NSD1 c.6413G>A variant is predicted to result in the amino acid substitution p.Cys2138Tyr. To our knowledge, this variant has not been reported in the literature or in a large population database (gnomAD), indicating this variant is rare. An alternate variant affecting the same amino acid (p.Cys2138Arg) has been reported de novo in a individual with Sotos syndrome (Choufani et al. 2015. PubMed ID: 26690673). Although we suspect that this variant may be pathogenic, at this time, the clinical significance of this variant is uncertain due to the absence of conclusive functional and genetic evidence.

Genome-Nilou Lab
Classification: Uncertain significance for Sotos syndrome. Last evaluated: 2021-07-15. Review status: criteria provided, single submitter. Criteria: ACMG Guidelines, 2015. Collection method: clinical testing. Allele origin: germline. Affected: no.

Labcorp Genetics (formerly Invitae), Labcorp
Classification: Uncertain significance. Last evaluated: 2019-11-20. Review status: criteria provided, single submitter. Criteria: Invitae Variant Classification Sherloc (09022015). Collection method: clinical testing. Allele origin: germline.
Comment: Algorithms developed to predict the effect of missense changes on protein structure and function are either unavailable or do not agree on the potential impact of this missense change (SIFT: "Deleterious"; PolyPhen-2: "Probably Damaging"; Align-GVGD: "Class C0"). This variant has not been reported in the literature in individuals with NSD1-related conditions. ClinVar contains an entry for this variant (Variation ID: 159417). This variant is not present in population databases (ExAC no frequency). This sequence change replaces cysteine with tyrosine at codon 2138 of the NSD1 protein (p.Cys2138Tyr). The cysteine residue is highly conserved and there is a large physicochemical difference between cysteine and tyrosine. In summary, the available evidence is currently insufficient to determine the role of this variant in disease. Therefore, it has been classified as a Variant of Uncertain Significance.

Genetic Services Laboratory, University of Chicago
Classification: Likely pathogenic for Sotos syndrome 1. Last evaluated: 2013-08-21. Review status: criteria provided, single submitter. Criteria: ACMG Guidelines, 2007. Collection method: clinical testing. Allele origin: germline. Inheritance: Autosomal dominant inheritance. Affected: yes.

NM_022455.5(NSD1):c.6413G>A (p.Cys2138Tyr)

Gene: NSD1 (nuclear receptor binding SET domain protein 1; plus strand). Cytogenetic location: 5q35.3.
Variant type: single nucleotide variant.
Coding change: c.6413G>A on transcript NM_022455.5 (MANE Select); coding-DNA position 6413, G replaced by A.
Protein change: p.Cys2138Tyr; replaces cysteine 2138 with tyrosine.
Molecular consequence: missense variant.
Genome position (GRCh38, 1-based): chr5:177,292,108, G>A. VCF-style: chr5-177292108-G-A. GRCh37 (hg19) VCF-style: chr5-176719109-G-A.
Other names: c.5540G>A, p.Cys1847Tyr (NM_001365684.2, NM_001409308.1, NM_172349.5); c.6413G>A, p.Cys2138Tyr (NM_001409301.1, NM_001409302.1, NM_001409303.1); c.5993G>A, p.Cys1998Tyr (NM_001409304.1); c.5660G>A, p.Cys1887Tyr (NM_001409305.1); c.5651G>A, p.Cys1884Tyr (NM_001409306.1, NM_001409307.1); c.5291G>A, p.Cys1764Tyr (NM_001409309.1); short protein forms C2138Y, C1869Y, C1998Y, C1847Y, C1884Y, C1764Y, C1887Y.
Identifiers: ClinVar variation 159417 (VCV000159417.19), dbSNP rs587784195, ClinGen allele CA295069.